The following is an entry in ClinVar:

ClinVar aggregate classification (germline): Pathogenic/Likely pathogenic. Review status: criteria provided, multiple submitters, no conflicts (2 of 4 stars). 3 submissions from 3 submitters: Pathogenic (1); Likely pathogenic (1). 1 of the submissions does not count toward it. Last evaluated 2024-09-13.

Conditions:
Neonatal diabetes mellitus (NDM). Identifiers: Orphanet 224, MedGen C0158981, MONDO:0016391.
Permanent neonatal diabetes mellitus (PNDM). Identifiers: Orphanet 99885, MedGen C1833104, MONDO:0100164, MONDO:0011643. Disease mechanism: gain of function.

Submissions (3):

Women's Health and Genetics/Laboratory Corporation of America, LabCorp
Classification: Pathogenic for Permanent neonatal diabetes mellitus. Last evaluated: 2024-09-13. Review status: criteria provided, single submitter. Criteria: LabCorp Variant Classification Summary - May 2015. Collection method: clinical testing. Allele origin: germline.
Comment: Variant summary: ABCC8 c.674T>C (p.Leu225Pro) results in a non-conservative amino acid change in the encoded protein sequence. Three of five in-silico tools predict a damaging effect of the variant on protein function. The variant was absent in 251496 control chromosomes. c.674T>C has been reported in the literature at a heterozygous state in multiple individuals affected with Neonatal Diabetes Mellitus (example, Masia_2007, Garcin_2020, Gopi_2021). These data indicate that the variant is likely to be associated with disease. At least one publication reports experimental evidence evaluating an impact on protein function. The most pronounced variant effect results in about 4-fold over-activated current in Mg nucleotides in COS cells (Masia_2007). The following publications have been ascertained in the context of this evaluation (PMID: 32418263, 32893419, 17317760). ClinVar contains an entry for this variant (Variation ID: 21170). Based on the evidence outlined above, the variant was classified as pathogenic.

Molecular Genetics, Madras Diabetes Research Foundation
Classification: Likely pathogenic for Neonatal diabetes mellitus. Review status: criteria provided, single submitter. Criteria: ACMG Guidelines, 2015. Collection method: clinical testing. Allele origin: germline. Affected: yes.

GeneReviews
No classification provided. Condition: Permanent neonatal diabetes mellitus. Review status: no classification provided. Collection method: literature only. Allele origin: unknown. Not counted in ClinVar's aggregate classification.

Literature cited by the submitters: PubMed 17317760 (cited by Women's Health and Genetics/Laboratory Corporation of America, LabCorp); PubMed 32418263 (cited by Women's Health and Genetics/Laboratory Corporation of America, LabCorp); PubMed 32893419 (cited by Women's Health and Genetics/Laboratory Corporation of America, LabCorp and Molecular Genetics, Madras Diabetes Research Foundation); PubMed 16885549 (cited by GeneReviews); PubMed 20301620 (cited by GeneReviews); NCBI Bookshelf NBK1447 (cited by GeneReviews).

NM_000352.6(ABCC8):c.674T>C (p.Leu225Pro)

Gene: ABCC8 (ATP binding cassette subfamily C member 8; minus strand). Cytogenetic location: 11p15.1.
Variant type: single nucleotide variant.
Coding change: c.674T>C on transcript NM_000352.6 (MANE Select); coding-DNA position 674, T replaced by C.
Protein change: p.Leu225Pro; replaces leucine 225 with proline.
Molecular consequence: missense variant. On other transcripts: non-coding transcript variant (1).
Genome position (GRCh38, 1-based): chr11:17,461,731, A>G on the plus strand (T>C on the coding strand, the complement: ABCC8 is on the minus strand). VCF-style: chr11-17461731-A-G. GRCh37 (hg19) VCF-style: chr11-17483278-A-G.
Other names: c.674T>C, p.Leu225Pro (NM_001287174.3, NM_001351295.2, NM_001351296.2 and 1 more transcripts); short protein forms L225P.
Identifiers: ClinVar variation 21170 (VCV000021170.5), dbSNP rs1048095, ClinGen allele CA341695.